The following is an entry in ClinVar:

NM_022575.4(VPS16):c.1331+2T>C

Gene: VPS16 (VPS16 core subunit of CORVET and HOPS complexes; plus strand). Cytogenetic location: 20p13.
Variant type: single nucleotide variant.
Coding change: c.1331+2T>C on transcript NM_022575.4 (MANE Select); the canonical splice donor site of the intron after coding-DNA position 1331, T replaced by C.
Molecular consequence: splice donor variant. On other transcripts: intron variant (1).
Genome position (GRCh38, 1-based): chr20:2,862,936, T>C. VCF-style: chr20-2862936-T-C. GRCh37 (hg19) VCF-style: chr20-2843582-T-C.
Other names: c.900-129T>C (NM_080413.3); c.1331+2T>C (NM_022575.3).
Identifiers: ClinVar variation 1347858 (VCV001347858.10), dbSNP rs2089253964, ClinGen allele CA408056733.

ClinVar aggregate classification (germline): Likely pathogenic. Review status: criteria provided, multiple submitters, no conflicts (2 of 4 stars). 3 submissions from 3 submitters: Likely pathogenic (2). 1 of the submissions does not count toward it. Last evaluated 2025-12-05.

Conditions:
VPS16-related disorder. Also called: VPS16-related condition.
Dystonia 30. Identifiers: MedGen C5543312, MONDO:0025691, OMIM 619291.

Allele frequency attached by ClinVar (database versions not stated): TOPMed below 0.00001.
gnomAD v4.1: 1 of 1,613,796 alleles (0.000062%); no homozygotes.

Submissions (3):

Women's Health and Genetics/Laboratory Corporation of America, LabCorp
Classification: Likely pathogenic for Dystonia 30. Last evaluated: 2025-12-05. Review status: criteria provided, single submitter. Criteria: LabCorp Variant Classification Summary - May 2015. Collection method: clinical testing. Allele origin: germline.
Comment: Variant summary: VPS16 c.1331+2T>C is located in a canonical splice-site and is predicted to affect mRNA splicing resulting in a significantly altered protein due to either exon skipping, shortening, or inclusion of intronic material. Variants that disrupt the consensus splice site are a relatively common cause of aberrant splicing and loss of VPS16 function. Consensus agreement among computation tools predict no significant impact on normal splicing. However, these predictions have yet to be confirmed by functional studies. The variant was absent in 251074 control chromosomes (gnomAD). To our knowledge, no occurrence of c.1331+2T>C in individuals affected with VPS16-related conditions and no experimental evidence demonstrating its impact on protein function have been reported. ClinVar contains an entry for this variant (Variation ID: 1347858). Based on the evidence outlined above, the variant was classified as likely pathogenic.

Labcorp Genetics (formerly Invitae), Labcorp
Classification: Likely pathogenic. Last evaluated: 2021-01-05. Review status: criteria provided, single submitter. Criteria: Invitae Variant Classification Sherloc (09022015). Collection method: clinical testing. Allele origin: germline.
Comment: In summary, the currently available evidence indicates that the variant is pathogenic, but additional data are needed to prove that conclusively. Therefore, this variant has been classified as Likely Pathogenic. This variant has not been reported in the literature in individuals with VPS16-related conditions. This variant is not present in population databases (ExAC no frequency). This sequence change affects a donor splice site in intron 13 of the VPS16 gene. It is expected to disrupt RNA splicing. Variants that disrupt the donor or acceptor splice site typically lead to a loss of protein function (PMID: 16199547), and loss-of-function variants in VPS16 are known to be pathogenic (PMID: 32808683).

PreventionGenetics, part of Exact Sciences
Classification: Likely pathogenic for VPS16-related condition. Last evaluated: 2024-09-10. Review status: no assertion criteria provided. Collection method: clinical testing. Allele origin: germline. Not counted in ClinVar's aggregate classification.
Comment: The VPS16 c.1331+2T>C variant is predicted to disrupt the GT donor site and interfere with normal splicing. To our knowledge, this variant has not been reported in the literature or in a large population database, indicating this variant is rare. Variants that disrupt the consensus splice donor site in VPS16 are expected to be pathogenic. This variant is interpreted as likely pathogenic.

Literature cited by the submitters: PubMed 16199547 (cited by Labcorp Genetics (formerly Invitae), Labcorp); PubMed 32808683 (cited by Labcorp Genetics (formerly Invitae), Labcorp).